The following is an entry in ClinVar:

NM_001122955.4(BSCL2):c.864-30del

Genes: BSCL2 (BSCL2 lipid droplet biogenesis associated, seipin; minus strand), HNRNPUL2-BSCL2 (HNRNPUL2-BSCL2 readthrough (NMD candidate); minus strand). Cytogenetic location: 11q12.3.
Variant type: Deletion.
Coding change: c.864-30del on transcript NM_001122955.4 (MANE Select); 30 bases into the intron before coding-DNA position 864, one base deleted (C; older notation c.864-30delC).
Molecular consequence: intron variant.
Genome position (GRCh38, 1-based): chr11:62,691,451, G deleted on the plus strand (C on the coding strand, the reverse complement: BSCL2 is on the minus strand). VCF-style (leftmost placement, unchanged base first): chr11-62691450-AG-A. GRCh37 (hg19) VCF-style: chr11-62458922-AG-A.
Other names: p.?; c.672-310del (NM_001130702.2); c.672-30del (NM_032667.6); c.864-30del (NM_001386028.1, NM_001386027.1).
Identifiers: ClinVar variation 4683630 (VCV004683630.1).

ClinVar aggregate classification (germline): Likely benign (1 of 4 stars; one submission).

Submission:

Mayo Clinic Laboratories, Mayo Clinic
Classification: Likely benign. Last evaluated: 2025-07-14. Review status: criteria provided, single submitter. Criteria: ACMG Guidelines, 2015. Collection method: clinical testing. Allele origin: germline. Observed: 1 variant allele.
Comment: BP4, BP7, PM2_supporting